The following is an entry in ClinVar:

ClinVar aggregate classification (germline): Pathogenic. Review status: criteria provided, multiple submitters, no conflicts (2 of 4 stars). 7 submissions from 7 submitters: Pathogenic (5). 2 of the submissions do not count toward it. Last evaluated 2025-01-10.

Conditions:
Charcot-Marie-Tooth disease. Also called: Charcot-Marie-Tooth Neuropathy; Charcot-Marie-Tooth Hereditary Neuropathy. Identifiers: Orphanet 166, MedGen C0007959, MONDO:0015626.
Agenesis of the corpus callosum with peripheral neuropathy (ACCPN). Also called: POLYNEUROPATHY, SENSORIMOTOR, WITH OR WITHOUT AGENESIS OF THE CORPUS CALLOSUM; HMSN/ACC; Hereditary Motor and Sensory Neuropathy with Agenesis of the Corpus Callosum; CHARLEVOIX DISEASE. Identifiers: Orphanet 1496, MedGen C0795950, MONDO:0000902, OMIM 218000. Disease mechanism: loss of function.

Allele frequency attached by ClinVar (database versions not stated): gnomAD exomes below 0.00001; ExAC 0.00001.
gnomAD v4.1: 16 of 1,612,932 alleles (0.00099%); highest among the groups gnomAD compares: Non-Finnish European, 0.0013%; no homozygotes.

Submissions (7):

Mayo Clinic Laboratories, Mayo Clinic
Classification: Pathogenic. Last evaluated: 2025-01-10. Review status: criteria provided, single submitter. Criteria: ACMG Guidelines, 2015. Collection method: clinical testing. Allele origin: germline. Observed: 1 variant allele.
Comment: PP1, PM3_supporting, PVS1

Baylor Genetics
Classification: Pathogenic for Agenesis of the corpus callosum with peripheral neuropathy. Last evaluated: 2023-09-29. Review status: criteria provided, single submitter. Criteria: ACMG Guidelines, 2015. Collection method: clinical testing. Allele origin: unknown.

Labcorp Genetics (formerly Invitae), Labcorp
Classification: Pathogenic. Last evaluated: 2023-06-19. Review status: criteria provided, single submitter. Criteria: Invitae Variant Classification Sherloc (09022015). Collection method: clinical testing. Allele origin: germline.
Comment: For these reasons, this variant has been classified as Pathogenic. Algorithms developed to predict the effect of sequence changes on RNA splicing suggest that this variant may disrupt the consensus splice site. ClinVar contains an entry for this variant (Variation ID: 370139). Disruption of this splice site has been observed in individual(s) with agenesis of the corpus callosum with peripheral neuropathy (PMID: 20020398). It has also been observed to segregate with disease in related individuals. This variant is present in population databases (rs762730861, gnomAD 0.0009%). This sequence change affects a donor splice site in intron 8 of the SLC12A6 gene. It is expected to disrupt RNA splicing. Variants that disrupt the donor or acceptor splice site typically lead to a loss of protein function (PMID: 16199547), and loss-of-function variants in SLC12A6 are known to be pathogenic (PMID: 12368912, 16606917).

Genome-Nilou Lab
Classification: Pathogenic for Agenesis of the corpus callosum with peripheral neuropathy. Last evaluated: 2021-07-15. Review status: criteria provided, single submitter. Criteria: ACMG Guidelines, 2015. Collection method: clinical testing. Allele origin: germline. Affected: no.

CeGaT Center for Human Genetics Tuebingen
Classification: Pathogenic. Last evaluated: 2017-07-01. Review status: criteria provided, single submitter. Criteria: CeGaT Center For Human Genetics Tuebingen Variant Classification Criteria Version 2. Collection method: clinical testing. Allele origin: germline. Affected: yes. Observed: 1 variant allele.

Counsyl
Classification: Likely pathogenic for Agenesis of the corpus callosum with peripheral neuropathy. Last evaluated: 2015-11-24. Review status: no assertion criteria provided. Collection method: clinical testing. Allele origin: unknown. Not counted in ClinVar's aggregate classification.

Inherited Neuropathy Consortium
Classification: Uncertain significance for Charcot-Marie-Tooth disease. Review status: no assertion criteria provided. Collection method: literature only. Allele origin: germline. Affected: yes. Not counted in ClinVar's aggregate classification.

Literature cited by the submitters: PubMed 20020398 (cited by 4 submitters); PubMed 29269506 (cited by Mayo Clinic Laboratories, Mayo Clinic); PubMed 16199547 (cited by Labcorp Genetics (formerly Invitae), Labcorp); PubMed 12368912 (cited by Labcorp Genetics (formerly Invitae), Labcorp); PubMed 16606917 (cited by Labcorp Genetics (formerly Invitae), Labcorp); PubMed 25525159 (cited by Counsyl).

NM_001365088.1(SLC12A6):c.1118+1G>A

Gene: SLC12A6 (solute carrier family 12 member 6; minus strand). Cytogenetic location: 15q14.
Variant type: single nucleotide variant.
Coding change: c.1118+1G>A on transcript NM_001365088.1 (MANE Select); the canonical splice donor site of the intron after coding-DNA position 1118, G replaced by A.
Molecular consequence: splice donor variant.
Genome position (GRCh38, 1-based): chr15:34,254,347, C>T on the plus strand (G>A on the coding strand, the complement: SLC12A6 is on the minus strand). VCF-style: chr15-34254347-C-T. GRCh37 (hg19) VCF-style: chr15-34546548-C-T.
Other names: c.941+1G>A (NM_001042495.2, NM_001042494.2); c.1091+1G>A (NM_001042496.2); c.1073+1G>A (NM_001042497.2); c.1118+1G>A (NM_133647.2); c.965+1G>A (NM_005135.2).
Identifiers: ClinVar variation 370139 (VCV000370139.53), dbSNP rs762730861, ClinGen allele CA7464403.